The following is an entry in ClinVar:

NM_015346.4(ZFYVE26):c.6197G>A (p.Trp2066Ter)

Gene: ZFYVE26 (zinc finger FYVE-type containing 26; minus strand). Cytogenetic location: 14q24.1.
Variant type: single nucleotide variant.
Coding change: c.6197G>A on transcript NM_015346.4 (MANE Select); coding-DNA position 6197, G replaced by A.
Protein change: p.Trp2066Ter; replaces tryptophan 2066 with a stop codon.
Molecular consequence: nonsense.
Genome position (GRCh38, 1-based): chr14:67,762,375, C>T on the plus strand (G>A on the coding strand, the complement: ZFYVE26 is on the minus strand). VCF-style: chr14-67762375-C-T. GRCh37 (hg19) VCF-style: chr14-68229092-C-T.
Other names: short protein forms W2066*.
Identifiers: ClinVar variation 1180691 (VCV001180691.2), dbSNP rs2140194241, ClinGen allele CA390164316.

ClinVar aggregate classification (germline): Pathogenic/Likely pathogenic. Review status: criteria provided, multiple submitters, no conflicts (2 of 4 stars). 2 submissions from 2 submitters: Pathogenic (1); Likely pathogenic (1). Last evaluated 2024-05-08.

Conditions:
Abnormal central motor function. Identifiers: MedGen C4023354, HP:0011442.
Hereditary spastic paraplegia 15 (SPG15). Also called: SPASTIC PARAPLEGIA 15, AUTOSOMAL RECESSIVE; KJELLIN SYNDROME; SPASTIC PARAPLEGIA AND RETINAL DEGENERATION. Identifiers: Orphanet 100996, MedGen C1849128, MONDO:0010044, OMIM 270700.

Submissions (2):

Myriad Genetics, Inc.
Classification: Pathogenic for Hereditary spastic paraplegia 15. Last evaluated: 2024-05-08. Review status: criteria provided, single submitter. Criteria: Myriad Autosomal Dominant, Autosomal Recessive and X-Linked Classification Criteria (2023). Collection method: clinical testing. Allele origin: unknown.
Comment: NM_015346.3(ZFYVE26):c.6197G>A(W2066*) is expected to be pathogenic in the context of spastic paraplegia type 15. This variant is predicted to lead to an abnormal or absent protein product due to the creation of a premature termination codon in ZFYVE26, a gene where loss-of-function variants are known to be pathogenic. Please note: this variant was assessed in the context of healthy population screening.

Kariminejad - Najmabadi Pathology & Genetics Center
Classification: Likely pathogenic for Abnormal central motor function. Last evaluated: 2021-07-10. Review status: criteria provided, single submitter. Criteria: ACMG Guidelines, 2015. Collection method: clinical testing. Allele origin: germline. Affected: yes.